The following is an entry in ClinVar:

NM_004370.6(COL12A1):c.6358C>G (p.Gln2120Glu)

Gene: COL12A1 (collagen type XII alpha 1 chain; minus strand). Cytogenetic location: 6q13.
Variant type: single nucleotide variant.
Coding change: c.6358C>G on transcript NM_004370.6 (MANE Select); coding-DNA position 6358, C replaced by G.
Protein change: p.Gln2120Glu; replaces glutamine 2120 with glutamic acid.
Molecular consequence: missense variant.
Genome position (GRCh38, 1-based): chr6:75,126,453, G>C on the plus strand (C>G on the coding strand, the complement: COL12A1 is on the minus strand). VCF-style: chr6-75126453-G-C. GRCh37 (hg19) VCF-style: chr6-75836169-G-C.
Other names: c.2866C>G, p.Gln956Glu (NM_080645.3); c.6358C>G (NM_004370.5); short protein forms Q2120E, Q956E.
Identifiers: ClinVar variation 1393727 (VCV001393727.7), dbSNP rs1366573056, ClinGen allele CA364730195.

ClinVar aggregate classification (germline): Uncertain significance. Review status: criteria provided, multiple submitters, no conflicts (2 of 4 stars). 2 submissions from 2 submitters: Uncertain significance (2). Last evaluated 2023-10-02.

Conditions:
COL12A1-related disorder. Also called: COL12A1-related condition.
Ullrich congenital muscular dystrophy 2 (UCMD2). Identifiers: Orphanet 75840, MedGen C4225314, MONDO:0014654, OMIM 616470.
Bethlem myopathy 2 (BTHLM2). Identifiers: Orphanet 536516, Orphanet 610, MedGen C4225313, MONDO:0034022, OMIM 616471.

Allele frequency attached by ClinVar (database versions not stated): gnomAD 0.00001; TOPMed 0.00002.
gnomAD v4.1: 3 of 1,610,196 alleles (0.00019%); highest among the groups gnomAD compares: Admixed American, 0.0033%; no homozygotes.

Submissions (2):

PreventionGenetics, part of Exact Sciences
Classification: Uncertain significance for COL12A1-related condition. Last evaluated: 2023-10-02. Review status: criteria provided, single submitter. Criteria: ACMG Guidelines, 2015. Collection method: clinical testing. Allele origin: germline.
Comment: The COL12A1 c.6358C>G variant is predicted to result in the amino acid substitution p.Gln2120Glu. To our knowledge, this variant has not been reported in the literature or in a large population database, indicating this variant is rare. At this time, the clinical significance of this variant is uncertain due to the absence of conclusive functional and genetic evidence.

Labcorp Genetics (formerly Invitae), Labcorp
Classification: Uncertain significance for Bethlem myopathy 2; Ullrich congenital muscular dystrophy 2. Last evaluated: 2022-07-06. Review status: criteria provided, single submitter. Criteria: Invitae Variant Classification Sherloc (09022015). Collection method: clinical testing. Allele origin: germline.
Comment: This sequence change replaces glutamine, which is neutral and polar, with glutamic acid, which is acidic and polar, at codon 2120 of the COL12A1 protein (p.Gln2120Glu). This variant is not present in population databases (gnomAD no frequency). In summary, the available evidence is currently insufficient to determine the role of this variant in disease. Therefore, it has been classified as a Variant of Uncertain Significance. Algorithms developed to predict the effect of missense changes on protein structure and function are either unavailable or do not agree on the potential impact of this missense change (SIFT: "Deleterious"; PolyPhen-2: "Possibly Damaging"; Align-GVGD: "Class C0"). ClinVar contains an entry for this variant (Variation ID: 1393727). This variant has not been reported in the literature in individuals affected with COL12A1-related conditions.